The following is an entry in ClinVar:

ClinVar aggregate classification (germline): Conflicting classifications of pathogenicity. Review status: criteria provided, conflicting classifications (1 of 4 stars). 5 submissions from 5 submitters: Uncertain significance (4); Likely benign (1). Last evaluated 2026-03-30.

Conditions:
Inborn genetic diseases. Identifiers: MedGen C0950123, MeSH D030342.
3M syndrome 2. Also called: 3-M Syndrome, OBSL1-Related; THREE M SYNDROME 2. Identifiers: Orphanet 2616, MedGen C2752041, MONDO:0013039, OMIM 612921.

Allele frequency attached by ClinVar (database versions not stated): gnomAD 0.00006 and 0.00007; TOPMed 0.00006; gnomAD exomes 0.00011 and 0.00016; ExAC 0.00008; 1000 Genomes Project below 0.00001; ESP Exome Variant Server 0.00008.
gnomAD v4.1: 258 of 1,610,736 alleles (0.016%); highest among the groups gnomAD compares: Middle Eastern, 0.05%; no homozygotes.

Submissions (5):

GeneDx
Classification: Uncertain significance. Last evaluated: 2026-03-30. Review status: criteria provided, single submitter. Criteria: GeneDx Variant Classification Process June 2021. Collection method: clinical testing. Allele origin: germline.
Comment: In silico analysis suggests that this missense variant does not alter protein structure/function; Has not been previously published as pathogenic or benign to our knowledge

Ambry Genetics
Classification: Uncertain significance for Inborn genetic diseases. Last evaluated: 2025-04-14. Review status: criteria provided, single submitter. Criteria: Ambry Variant Classification Scheme 2023. Collection method: clinical testing. Allele origin: germline.

3billion
Classification: Likely benign for 3M syndrome 2. Last evaluated: 2024-09-20. Review status: criteria provided, single submitter. Criteria: ACMG Guidelines, 2015. Collection method: clinical testing. Allele origin: germline. Affected: no.
Comment: The homozygous variant was found in patients diagnosed with another variant in a different gene, with no symptoms related to the gene containing the homozygous variant.

Labcorp Genetics (formerly Invitae), Labcorp
Classification: Uncertain significance. Last evaluated: 2022-08-23. Review status: criteria provided, single submitter. Criteria: Invitae Variant Classification Sherloc (09022015). Collection method: clinical testing. Allele origin: germline.
Comment: This sequence change replaces valine, which is neutral and non-polar, with isoleucine, which is neutral and non-polar, at codon 686 of the OBSL1 protein (p.Val686Ile). This variant is present in population databases (rs202040862, gnomAD 0.02%). This variant has not been reported in the literature in individuals affected with OBSL1-related conditions. ClinVar contains an entry for this variant (Variation ID: 597350). Algorithms developed to predict the effect of missense changes on protein structure and function are either unavailable or do not agree on the potential impact of this missense change (SIFT: "Tolerated"; PolyPhen-2: "Possibly Damaging"; Align-GVGD: "Class C0"). In summary, the available evidence is currently insufficient to determine the role of this variant in disease. Therefore, it has been classified as a Variant of Uncertain Significance.

Eurofins Ntd Llc (ga)
Classification: Uncertain significance. Last evaluated: 2018-06-11. Review status: criteria provided, single submitter. Criteria: EGL ClinVar v180209 classification definitions. Collection method: clinical testing. Allele origin: germline. Observed: 1 variant allele, 1 heterozygote.

NM_015311.3(OBSL1):c.2056G>A (p.Val686Ile)

Gene: OBSL1 (obscurin like cytoskeletal adaptor 1; minus strand). Cytogenetic location: 2q35.
Variant type: single nucleotide variant.
Coding change: c.2056G>A on transcript NM_015311.3 (MANE Select); coding-DNA position 2056, G replaced by A.
Protein change: p.Val686Ile; replaces valine 686 with isoleucine.
Molecular consequence: missense variant.
Genome position (GRCh38, 1-based): chr2:219,566,908, C>T on the plus strand (G>A on the coding strand, the complement: OBSL1 is on the minus strand). VCF-style: chr2-219566908-C-T. GRCh37 (hg19) VCF-style: chr2-220431630-C-T.
Other names: c.2056G>A, p.Val686Ile (NM_001173408.2, NM_001173431.2); c.2056G>A (NM_015311.2); short protein forms V686I.
Identifiers: ClinVar variation 597350 (VCV000597350.14), dbSNP rs202040862, ClinGen allele CA2131347.
Genomic context (GRCh38, chr2:219,566,908, plus strand): 5'-CTGAGTCCTGCACGCCGGGGCAGCTGAAGCCGACCAGGGCACCGCTGTCCTGGTGCTTGA[C>T]GGCATGCAGGATGAGTCTGTGCTGCAGACCCTTCTGCTCTATACGGTACCGCAGGGCCCC-3'
Protein context (NP_056126.1, residues 676-696): GLQHRLILHA[Val686Ile]KHQDSGALVG